The following is an entry in ClinVar:

NM_000257.4(MYH7):c.4819A>G (p.Ser1607Gly)

Genes: MYH7 (myosin heavy chain 7; minus strand), MHRT (myosin heavy chain associated RNA transcript; plus strand), LOC126861897 (BRD4-independent group 4 enhancer GRCh37_chr14:23884455-23885654; plus strand). Cytogenetic location: 14q11.2.
Variant type: single nucleotide variant.
Coding change: c.4819A>G on transcript NM_000257.4 (MANE Select); coding-DNA position 4819, A replaced by G.
Protein change: p.Ser1607Gly; replaces serine 1607 with glycine.
Molecular consequence: missense variant. On other transcripts: non-coding transcript variant (1).
Genome position (GRCh38, 1-based): chr14:23,416,138, T>C on the plus strand (A>G on the coding strand, the complement: MYH7 is on the minus strand). VCF-style: chr14-23416138-T-C. GRCh37 (hg19) VCF-style: chr14-23885347-T-C.
Other names: p.Ser1607Gly; short protein forms S1607G.
Identifiers: ClinVar variation 927894 (VCV000927894.9), dbSNP rs1892196940, ClinGen allele CA389037571.

ClinVar aggregate classification (germline): Uncertain significance. Review status: criteria provided, multiple submitters, no conflicts (2 of 4 stars). 4 submissions from 4 submitters: Uncertain significance (4). Last evaluated 2025-07-27.

Conditions:
MYH7-related skeletal myopathy. Also called: Laing distal myopathy; Laing early-onset distal myopathy; Myopathy, distal, 1; MYOPATHY, DISTAL, EARLY-ONSET, AUTOSOMAL DOMINANT; MYOPATHY, LATE DISTAL HEREDITARY. Identifiers: Orphanet 59135, MedGen C4552004, MONDO:0008050, OMIM 160500.
Myopathy, myosin storage, autosomal recessive (CMYO7B). Also called: CONGENITAL MYOPATHY 7B, MYOSIN STORAGE, AUTOSOMAL RECESSIVE. Identifiers: Orphanet 636970, MedGen C1850709, MONDO:0009708, OMIM 255160.
Hypertrophic cardiomyopathy 1 (CMH1). Also called: Familial hypertrophic cardiomyopathy 1; MYH7-Related Familial Hypertrophic Cardiomyopathy. Identifiers: MedGen C3495498, MONDO:0008647, OMIM 192600.
Myosin storage myopathy (CMYO7A). Also called: MYH7-related late-onset scapuloperoneal muscular dystrophy; Congenital myopathy 7A, myosin storage, autosomal dominant; MYOPATHY, HYALINE BODY, AUTOSOMAL DOMINANT; MYOPATHY WITH LYSIS OF TYPE I MYOFIBRILS; SCAPULOPERONEAL MUSCULAR DYSTROPHY; SCAPULOPERONEAL SYNDROME, MYOPATHIC TYPE. Identifiers: Orphanet 437572, Orphanet 636965, MedGen C1842160, MONDO:0008409, OMIM 608358.
Dilated cardiomyopathy 1S (CMD1S). Identifiers: Orphanet 154, Orphanet 54260, MedGen C1834481, MONDO:0013262, OMIM 613426.
Congenital myopathy with fiber type disproportion. Also called: Congenital fiber-type disproportion myopathy; Congenital fiber-type disproportion. Identifiers: Orphanet 2020, MedGen C0546264, MONDO:0009711. Inheritance: all.
Cardiomyopathy (CMYO). Also called: Cardiomyopathies. Identifiers: Orphanet 167848, MedGen C0878544, MONDO:0004994, HP:0001638. Inheritance: Various modes of inheritance.
Hypertrophic cardiomyopathy. Also called: HYPERTROPHIC MYOCARDIOPATHY. Identifiers: Orphanet 217569, MedGen C0007194, MeSH D002312, MONDO:0005045, HP:0001639.

Allele frequency attached by ClinVar (database versions not stated): TOPMed 0.00001.

Submissions (4):

Labcorp Genetics (formerly Invitae), Labcorp
Classification: Uncertain significance for Hypertrophic cardiomyopathy. Last evaluated: 2025-07-27. Review status: criteria provided, single submitter. Criteria: Invitae Variant Classification Sherloc (09022015). Collection method: clinical testing. Allele origin: germline.
Comment: This sequence change replaces serine, which is neutral and polar, with glycine, which is neutral and non-polar, at codon 1607 of the MYH7 protein (p.Ser1607Gly). This variant is not present in population databases (gnomAD no frequency). This variant has not been reported in the literature in individuals affected with MYH7-related conditions. ClinVar contains an entry for this variant (Variation ID: 927894). Invitae Evidence Modeling of protein sequence and biophysical properties (such as structural, functional, and spatial information, amino acid conservation, physicochemical variation, residue mobility, and thermodynamic stability) has been performed for this missense variant. However, the output from this modeling did not meet the statistical confidence thresholds required to predict the impact of this variant on MYH7 protein function. In summary, the available evidence is currently insufficient to determine the role of this variant in disease. Therefore, it has been classified as a Variant of Uncertain Significance.

Color Diagnostics, LLC DBA Color Health
Classification: Uncertain significance for Cardiomyopathy. Last evaluated: 2023-12-05. Review status: criteria provided, single submitter. Criteria: ACMG Guidelines, 2015. Collection method: clinical testing. Allele origin: germline.
Comment: This missense variant replaces serine with glycine at codon 1607 of the MYH7 protein. Computational prediction tools and conservation analyses are inconclusive regarding the impact of this variant on the protein function. Computational splicing tools suggest that this variant may not impact RNA splicing. To our knowledge, functional assays have not been performed for this variant nor has this variant been reported in individuals affected with cardiovascular disorders in the literature. This variant has not been identified in the general population by the Genome Aggregation Database (gnomAD). Available evidence is insufficient to determine the role of this variant in disease conclusively. Therefore, this variant is classified as a Variant of Uncertain Significance.

Mayo Clinic Laboratories, Mayo Clinic
Classification: Uncertain significance. Last evaluated: 2022-04-15. Review status: criteria provided, single submitter. Criteria: ACMG Guidelines, 2015. Collection method: clinical testing. Allele origin: germline. Observed: 1 variant allele.
Comment: PM2

Fulgent Genetics
Classification: Uncertain significance for MYH7-related skeletal myopathy; Myosin storage myopathy; Hypertrophic cardiomyopathy 1; Myopathy, myosin storage, autosomal recessive; Congenital myopathy 4A, autosomal dominant; Dilated cardiomyopathy 1S. Last evaluated: 2021-10-17. Review status: criteria provided, single submitter. Criteria: ACMG Guidelines, 2015. Collection method: clinical testing. Allele origin: unknown.